The following is an entry in ClinVar:

NM_022124.6(CDH23):c.3228C>G (p.Gly1076=)

Genes: C10orf105 (chromosome 10 open reading frame 105; minus strand), CDH23 (cadherin related 23; plus strand). Cytogenetic location: 10q22.1.
Variant type: single nucleotide variant.
Coding change: c.3228C>G on transcript NM_022124.6 (MANE Select); coding-DNA position 3228, C replaced by G.
Protein change: p.Gly1076=; no amino-acid change (glycine 1076 retained).
Molecular consequence: synonymous variant. On other transcripts: 3 prime UTR variant (2).
Genome position (GRCh38, 1-based): chr10:71,712,672, C>G. VCF-style: chr10-71712672-C-G. GRCh37 (hg19) VCF-style: chr10-73472429-C-G.
Other names: c.3228C>G (NM_022124.5); c.*3264G>C (NM_001164375.3, NM_001168390.2); c.3228C>G, p.Gly1076= (NM_001171930.2).
Identifiers: ClinVar variation 1119614 (VCV001119614.10), dbSNP rs750364937, ClinGen allele CA5544532.

ClinVar aggregate classification (germline): Likely benign. Review status: criteria provided, multiple submitters, no conflicts (2 of 4 stars). 2 submissions from 2 submitters: Likely benign (2). Last evaluated 2025-11-01.

Conditions:
CDH23-related disorder. Also called: CDH23-related condition; CDH23-related disorders.

Allele frequency attached by ClinVar (database versions not stated): ExAC 0.00002.
gnomAD v4.1: 7 of 1,613,456 alleles (0.00043%); highest among the groups gnomAD compares: Non-Finnish European, 0.00059%; no homozygotes.

Submissions (2):

PreventionGenetics, part of Exact Sciences
Classification: Likely benign for CDH23-related condition. Last evaluated: 2025-11-01. Review status: criteria provided, single submitter. Criteria: ACMG Guidelines, 2015. Collection method: clinical testing. Allele origin: germline.
Comment: This variant is classified as likely benign based on ACMG/AMP sequence variant interpretation guidelines (Richards et al. 2015 PMID: 25741868, with internal and published modifications).

Labcorp Genetics (formerly Invitae), Labcorp
Classification: Likely benign. Last evaluated: 2025-09-02. Review status: criteria provided, single submitter. Criteria: Invitae Variant Classification Sherloc (09022015). Collection method: clinical testing. Allele origin: germline.